The following is an entry in ClinVar:

ClinVar aggregate classification (germline): Conflicting classifications of pathogenicity. Review status: criteria provided, conflicting classifications (1 of 4 stars). 2 submissions from 2 submitters: Likely pathogenic (1); Uncertain significance (1). Last evaluated 2021-09-27.

Conditions:
Deafness-lymphedema-leukemia syndrome. Also called: Emberger syndrome; Lymphedema, primary, with myelodysplasia. Identifiers: Orphanet 3226, MedGen C3279664, MONDO:0013540, OMIM 614038.
GATA2 deficiency with susceptibility to MDS/AML. Identifiers: MedGen CN300066, MONDO:0042982.
Monocytopenia with susceptibility to infections. Also called: MONOCYTOPENIA AND MYCOBACTERIAL INFECTION SYNDROME; MONOCYTOPENIA WITH SUSCEPTIBILITY TO MYCOBACTERIAL, FUNGAL, AND PAPILLOMAVIRUS INFECTIONS AND MYELODYSPLASIA; COMBINED IMMUNODEFICIENCY WITH SUSCEPTIBILITY TO MYCOBACTERIAL, VIRAL, AND FUNGAL INFECTIONS; Dendritic cell, monocyte, B lymphocyte, and natural killer lymphocyte deficiency; IMMUNODEFICIENCY 21; GATA2 DEFICIENCY. Identifiers: Orphanet 228423, MedGen C3280030, MONDO:0013607, OMIM 614172.

Submissions (2):

Labcorp Genetics (formerly Invitae), Labcorp
Classification: Uncertain significance for Monocytopenia with susceptibility to infections; Deafness-lymphedema-leukemia syndrome. Last evaluated: 2021-09-27. Review status: criteria provided, single submitter. Criteria: Invitae Variant Classification Sherloc (09022015). Collection method: clinical testing. Allele origin: germline.
Comment: In summary, the available evidence is currently insufficient to determine the role of this variant in disease. Therefore, it has been classified as a Variant of Uncertain Significance. Advanced modeling of protein sequence and biophysical properties (such as structural, functional, and spatial information, amino acid conservation, physicochemical variation, residue mobility, and thermodynamic stability) performed at Invitae indicates that this missense variant is expected to disrupt GATA2 protein function. This missense change has been observed in individual(s) with myelodysplastic syndrome (PMID: 26702063). This variant is not present in population databases (ExAC no frequency). This sequence change replaces threonine with alanine at codon 357 of the GATA2 protein (p.Thr357Ala). The threonine residue is highly conserved and there is a small physicochemical difference between threonine and alanine.

Molecular Pathology Research Laboratory, SA Pathology
Classification: Likely pathogenic for GATA2 deficiency with susceptibility to MDS/AML; Deafness-lymphedema-leukemia syndrome. Last evaluated: 2021-07-06. Review status: criteria provided, single submitter. Criteria: ACMG Guidelines, 2015. Collection method: curation. Allele origin: unknown. Inheritance: Autosomal dominant inheritance. Affected: yes. Observed: 2 variant alleles.
Comment: PS4_Moderate, PM1, PM2, PM5, PP3

Literature cited by the submitters: PubMed 26702063 (cited by Labcorp Genetics (formerly Invitae), Labcorp and Molecular Pathology Research Laboratory, SA Pathology).

NM_032638.5(GATA2):c.1069A>G (p.Thr357Ala)

Gene: GATA2 (GATA binding protein 2; minus strand). Cytogenetic location: 3q21.3.
Variant type: single nucleotide variant.
Coding change: c.1069A>G on transcript NM_032638.5 (MANE Select); coding-DNA position 1069, A replaced by G.
Protein change: p.Thr357Ala; replaces threonine 357 with alanine.
Molecular consequence: missense variant.
Genome position (GRCh38, 1-based): chr3:128,481,893, T>C on the plus strand (A>G on the coding strand, the complement: GATA2 is on the minus strand). VCF-style: chr3-128481893-T-C. GRCh37 (hg19) VCF-style: chr3-128200736-T-C.
Other names: c.1069A>G, p.Thr357Ala (NM_001145661.2); c.1027A>G, p.Thr343Ala (NM_001145662.1); short protein forms T343A, T357A.
Identifiers: ClinVar variation 1055835 (VCV001055835.8), dbSNP rs2107668704, ClinGen allele CA354413604.